The following is an entry in ClinVar:

ClinVar aggregate classification (germline): Benign/Likely benign. Review status: criteria provided, multiple submitters, no conflicts (2 of 4 stars). 4 submissions from 4 submitters: Benign (1); Likely benign (3). Last evaluated 2025-07-21.

Conditions:
Hereditary cancer-predisposing syndrome. Also called: Hereditary neoplastic syndrome; Neoplastic Syndromes, Hereditary; Tumor predisposition; Hereditary Cancer Syndrome. Identifiers: Orphanet 140162, MedGen C0027672, MeSH D009386, MONDO:0015356.
Tuberous sclerosis syndrome (TSC). Also called: Tuberous Sclerosis Complex; Tuberous sclerosis. Identifiers: Orphanet 805, MedGen C0041341, MONDO:0001734.
Tuberous sclerosis 2 (TSC2). Identifiers: Orphanet 805, MedGen C1860707, MONDO:0013199, OMIM 613254.

gnomAD v4.1: 2 of 1,598,698 alleles (0.00013%); highest among the groups gnomAD compares: African/African-American, 0.0027%; no homozygotes.

Submissions (4):

Labcorp Genetics (formerly Invitae), Labcorp
Classification: Likely benign for Tuberous sclerosis 2. Last evaluated: 2025-07-21. Review status: criteria provided, single submitter. Criteria: Invitae Variant Classification Sherloc (09022015). Collection method: clinical testing. Allele origin: germline.

Myriad Genetics, Inc.
Classification: Benign for Tuberous sclerosis 2. Last evaluated: 2025-06-03. Review status: criteria provided, single submitter. Criteria: Myriad Autosomal Dominant, Autosomal Recessive and X-Linked Classification Criteria (2023). Collection method: clinical testing. Allele origin: unknown.
Comment: This variant is considered benign. This variant is a silent/synonymous amino acid change and it is not expected to impact splicing.

Ambry Genetics
Classification: Likely benign for Hereditary cancer-predisposing syndrome. Last evaluated: 2024-12-08. Review status: criteria provided, single submitter. Criteria: Ambry Variant Classification Scheme 2023. Collection method: clinical testing. Allele origin: germline.

All of Us Research Program, National Institutes of Health
Classification: Likely benign for Tuberous sclerosis syndrome. Last evaluated: 2024-05-14. Review status: criteria provided, single submitter. Criteria: ACMG Guidelines, 2015. Collection method: clinical testing. Allele origin: germline. Inheritance: Autosomal dominant inheritance. Observed: 1 variant allele, 1 heterozygote.
Comment: This study involves interpretation of variants in research participants for the purpose of population health screening. Participant phenotype was not available at the time of variant classification. Additional details can be found in publication PMID: 35346344, PMCID: PMC8962531

NM_000548.5(TSC2):c.4455A>G (p.Thr1485=)

Gene: TSC2 (TSC complex subunit 2; plus strand). Cytogenetic location: 16p13.3.
Variant type: single nucleotide variant.
Coding change: c.4455A>G on transcript NM_000548.5 (MANE Select); coding-DNA position 4455, A replaced by G.
Protein change: p.Thr1485=; no amino-acid change (threonine 1485 retained).
Molecular consequence: synonymous variant.
Genome position (GRCh38, 1-based): chr16:2,084,677, A>G. VCF-style: chr16-2084677-A-G. GRCh37 (hg19) VCF-style: chr16-2134678-A-G.
Other names: c.4254A>G, p.Thr1418= (NM_001077183.3); c.4386A>G, p.Thr1462= (NM_001114382.3); c.4146A>G, p.Thr1382= (NM_001318827.2); c.4110A>G, p.Thr1370= (NM_001318829.2); c.3723A>G, p.Thr1241= (NM_001318831.2); c.4287A>G, p.Thr1429= (NM_001318832.2); c.4257A>G, p.Thr1419= (NM_001363528.2); c.4323A>G, p.Thr1441= (NM_001370404.1); and 1 more.
Identifiers: ClinVar variation 468088 (VCV000468088.13), dbSNP rs1555514579, ClinGen allele CA493043350.